The following is an entry in ClinVar:

ClinVar aggregate classification (germline): Uncertain significance (1 of 4 stars; one submission).

Conditions:
Hereditary cancer-predisposing syndrome. Also called: Hereditary neoplastic syndrome; Tumor predisposition; Hereditary Cancer Syndrome; Neoplastic Syndromes, Hereditary. Identifiers: Orphanet 140162, MedGen C0027672, MeSH D009386, MONDO:0015356.

Submission:

Ambry Genetics
Classification: Uncertain significance for Hereditary cancer-predisposing syndrome. Last evaluated: 2023-08-01. Review status: criteria provided, single submitter. Criteria: Ambry Variant Classification Scheme 2023. Collection method: clinical testing. Allele origin: germline.
Comment: The p.V1545G variant (also known as c.4634T>G), located in coding exon 29 of the ALK gene, results from a T to G substitution at nucleotide position 4634. The valine at codon 1545 is replaced by glycine, an amino acid with dissimilar properties. This amino acid position is conserved. In addition, this alteration is predicted to be tolerated by in silico analysis. Since supporting evidence is limited at this time, the clinical significance of this alteration remains unclear.

NM_004304.5(ALK):c.4634T>G (p.Val1545Gly)

Gene: ALK (ALK receptor tyrosine kinase; minus strand). Cytogenetic location: 2p23.2.
Variant type: single nucleotide variant.
Coding change: c.4634T>G on transcript NM_004304.5 (MANE Select); coding-DNA position 4634, T replaced by G.
Protein change: p.Val1545Gly; replaces valine 1545 with glycine.
Molecular consequence: missense variant.
Genome position (GRCh38, 1-based): chr2:29,193,453, A>C on the plus strand (T>G on the coding strand, the complement: ALK is on the minus strand). VCF-style: chr2-29193453-A-C. GRCh37 (hg19) VCF-style: chr2-29416319-A-C.
Other names: c.1430T>G, p.Val477Gly (NM_001353765.2); short protein forms V1545G, V477G.
Identifiers: ClinVar variation 2586697 (VCV002586697.2), dbSNP rs1553386918, ClinGen allele CA346460553.
Genomic context (GRCh38, chr2:29,193,453, plus strand): 5'-TTGGCAGTCAGCGAAGAGGGCTCTAGGAGCAGTGAGGCCCCCGGAAGTCTCCCAGTTGCA[A>C]CGTTAGGTGGGACAGTACAGCTTCCCTCCAGCCCCAGGTTACCCCTGTCGTGTGGCTCCT-3'
Protein context (NP_004295.2, residues 1535-1555): LEGSCTVPPN[Val1545Gly]ATGRLPGASL